The following is an entry in ClinVar:

NM_001205293.3(CACNA1E):c.6913A>G (p.Ser2305Gly)

Gene: CACNA1E (calcium voltage-gated channel subunit alpha1 E; plus strand). Cytogenetic location: 1q25.3.
Variant type: single nucleotide variant.
Coding change: c.6913A>G on transcript NM_001205293.3 (MANE Select); coding-DNA position 6913, A replaced by G.
Protein change: p.Ser2305Gly; replaces serine 2305 with glycine.
Molecular consequence: missense variant.
Genome position (GRCh38, 1-based): chr1:181,798,805, A>G. VCF-style: chr1-181798805-A-G. GRCh37 (hg19) VCF-style: chr1-181767941-A-G.
Other names: c.6784A>G, p.Ser2262Gly (NM_000721.4); c.6727A>G, p.Ser2243Gly (NM_001205294.2); short protein forms S2243G, S2262G, S2305G.
Identifiers: ClinVar variation 3633703 (VCV003633703.2).

ClinVar aggregate classification (germline): Uncertain significance (1 of 4 stars; one submission).

Submission:

Labcorp Genetics (formerly Invitae), Labcorp
Classification: Uncertain significance. Last evaluated: 2024-05-13. Review status: criteria provided, single submitter. Criteria: Invitae Variant Classification Sherloc (09022015). Collection method: clinical testing. Allele origin: germline.
Comment: This sequence change replaces serine, which is neutral and polar, with glycine, which is neutral and non-polar, at codon 2262 of the CACNA1E protein (p.Ser2262Gly). This variant is not present in population databases (gnomAD no frequency). This variant has not been reported in the literature in individuals affected with CACNA1E-related conditions. Advanced modeling of protein sequence and biophysical properties (such as structural, functional, and spatial information, amino acid conservation, physicochemical variation, residue mobility, and thermodynamic stability) has been performed at Invitae for this missense variant, however the output from this modeling did not meet the statistical confidence thresholds required to predict the impact of this variant on CACNA1E protein function. In summary, the available evidence is currently insufficient to determine the role of this variant in disease. Therefore, it has been classified as a Variant of Uncertain Significance.